The following is an entry in ClinVar:

NM_001353345.2(SETD1B):c.1361C>A (p.Pro454Gln)

Gene: SETD1B (SET domain containing 1B, histone lysine methyltransferase; plus strand). Cytogenetic location: 12q24.31.
Variant type: single nucleotide variant.
Coding change: c.1361C>A on transcript NM_001353345.2 (MANE Select); coding-DNA position 1361, C replaced by A.
Protein change: p.Pro454Gln; replaces proline 454 with glutamine.
Molecular consequence: missense variant.
Genome position (GRCh38, 1-based): chr12:121,810,306, C>A. VCF-style: chr12-121810306-C-A. GRCh37 (hg19) VCF-style: chr12-122248212-C-A.
Other names: short protein forms P454Q.
Identifiers: ClinVar variation 4537811 (VCV004537811.1).

ClinVar aggregate classification (germline): Uncertain significance (1 of 4 stars; one submission).

Submission:

GeneDx
Classification: Uncertain significance. Last evaluated: 2025-06-15. Review status: criteria provided, single submitter. Criteria: GeneDx Variant Classification Process June 2021. Collection method: clinical testing. Allele origin: germline. Affected: yes.
Comment: Not observed at significant frequency in large population cohorts (gnomAD); In silico analysis supports that this missense variant has a deleterious effect on protein structure/function; Has not been previously published as pathogenic or benign to our knowledge